The following is an entry in ClinVar:

ClinVar aggregate classification (germline): Likely benign. Review status: criteria provided, multiple submitters, no conflicts (2 of 4 stars). 2 submissions from 2 submitters: Likely benign (2). Last evaluated 2024-10-21.

Conditions:
Charcot-Marie-Tooth disease type 2. Also called: Charcot-Marie-Tooth type 2. Identifiers: Orphanet 64746, MedGen C0270914, MONDO:0018993.
Primary dilated cardiomyopathy (DCM). Also called: Dilated Cardiomyopathy. Identifiers: Orphanet 217604, MedGen C0007193, MeSH D002311, MONDO:0005021, HP:0001644. Inheritance: Various modes of inheritance.

Allele frequency attached by ClinVar (database versions not stated): gnomAD exomes below 0.00001.
gnomAD v4.1: 1 of 1,614,094 alleles (0.000062%); highest among the groups gnomAD compares: Admixed American, 0.0017%; no homozygotes.

Submissions (2):

Labcorp Genetics (formerly Invitae), Labcorp
Classification: Likely benign for Charcot-Marie-Tooth disease type 2. Last evaluated: 2024-10-21. Review status: criteria provided, single submitter. Criteria: Invitae Variant Classification Sherloc (09022015). Collection method: clinical testing. Allele origin: germline.

All of Us Research Program, National Institutes of Health
Classification: Likely benign for Primary dilated cardiomyopathy. Last evaluated: 2023-11-20. Review status: criteria provided, single submitter. Criteria: ACMG Guidelines, 2015. Collection method: clinical testing. Allele origin: germline. Inheritance: Autosomal dominant inheritance. Observed: 1 variant allele, 1 heterozygote.
Comment: This study involves interpretation of variants in research participants for the purpose of population health screening. Participant phenotype was not available at the time of variant classification. Additional details can be found in publication PMID: 35346344, PMCID: PMC8962531

NM_170707.4(LMNA):c.1119C>T (p.Ile373=)

Gene: LMNA (lamin A/C; plus strand). Cytogenetic location: 1q22.
Variant type: single nucleotide variant.
Coding change: c.1119C>T on transcript NM_170707.4 (MANE Select); coding-DNA position 1119, C replaced by T.
Protein change: p.Ile373=; no amino-acid change (isoleucine 373 retained).
Molecular consequence: synonymous variant.
Genome position (GRCh38, 1-based): chr1:156,136,083, C>T. VCF-style: chr1-156136083-C-T. GRCh37 (hg19) VCF-style: chr1-156105874-C-T.
Other names: c.783C>T, p.Ile261= (NM_001257374.3, NM_001406989.1, NM_001406998.1); c.876C>T, p.Ile292= (NM_001282624.2, NM_001406986.1, NM_001406987.1); c.1119C>T, p.Ile373= (NM_001282625.2, NM_001282626.2, NM_001406983.1 and 6 more transcripts); c.822C>T, p.Ile274= (NM_001406988.1); c.561C>T, p.Ile187= (NM_001406990.1, NM_001406993.1, NM_001406995.1 and 4 more transcripts); c.495C>T, p.Ile165= (NM_001406994.1, NM_001406999.1, NM_001407000.1 and 1 more transcripts).
Identifiers: ClinVar variation 1971736 (VCV001971736.6), dbSNP rs1340894696, ClinGen allele CA421257860.